The following is an entry in ClinVar:

ClinVar aggregate classification (germline): Likely benign. Review status: criteria provided, multiple submitters, no conflicts (2 of 4 stars). 2 submissions from 2 submitters: Likely benign (2). Last evaluated 2025-04-11.

Conditions:
PKD1L1-related disorder. Also called: PKD1L1-related condition.

Allele frequency attached by ClinVar (database versions not stated): gnomAD 0.00001; TOPMed 0.00001; ExAC 0.00002.
gnomAD v4.1: 19 of 1,614,158 alleles (0.0012%); highest among the groups gnomAD compares: African/African-American, 0.004%; no homozygotes.

Submissions (2):

PreventionGenetics, part of Exact Sciences
Classification: Likely benign for PKD1L1-related condition. Last evaluated: 2025-04-11. Review status: criteria provided, single submitter. Criteria: ACMG Guidelines, 2015. Collection method: clinical testing. Allele origin: germline.
Comment: This variant is classified as likely benign based on ACMG/AMP sequence variant interpretation guidelines (Richards et al. 2015 PMID: 25741868, with internal and published modifications).

Labcorp Genetics (formerly Invitae), Labcorp
Classification: Likely benign. Last evaluated: 2023-03-27. Review status: criteria provided, single submitter. Criteria: Invitae Variant Classification Sherloc (09022015). Collection method: clinical testing. Allele origin: germline.

NM_138295.5(PKD1L1):c.642G>A (p.Thr214=)

Gene: PKD1L1 (polycystin 1 like 1, transient receptor potential channel interacting; minus strand). Cytogenetic location: 7p12.3.
Variant type: single nucleotide variant.
Coding change: c.642G>A on transcript NM_138295.5 (MANE Select); coding-DNA position 642, G replaced by A.
Protein change: p.Thr214=; no amino-acid change (threonine 214 retained).
Molecular consequence: synonymous variant.
Genome position (GRCh38, 1-based): chr7:47,931,199, C>T on the plus strand (G>A on the coding strand, the complement: PKD1L1 is on the minus strand). VCF-style: chr7-47931199-C-T. GRCh37 (hg19) VCF-style: chr7-47970796-C-T.
Other names: c.642G>A (NM_138295.3).
Identifiers: ClinVar variation 2872043 (VCV002872043.4), dbSNP rs577610499, ClinGen allele CA4254287.
Genomic context (GRCh38, chr7:47,931,199, plus strand): 5'-CAGGGGCACTCGCTGGGAGCTGGTCTGAGTGGGTCTGGCCACCTTGGTGGGGGTCTCCAT[C>T]GTGACAGTCCCAGGAAGCAGCCCCGTGGCCACATCCTCCGCACAGCACAGCAGTCTCAGG-3'
Protein context (NP_612152.1, residues 204-224): VATGLLPGTV[Thr214=]METPTKVARP